The following is an entry in ClinVar:

ClinVar aggregate classification (germline): Uncertain significance. Review status: criteria provided, multiple submitters, no conflicts (2 of 4 stars). 2 submissions from 2 submitters: Uncertain significance (2). Last evaluated 2024-08-17.

Conditions:
Spastic paraplegia. Identifiers: MedGen C0037772, HP:0001258.

Allele frequency attached by ClinVar (database versions not stated): ExAC 0.00002; gnomAD exomes 0.00003 and 0.00010; TOPMed 0.00004; gnomAD 0.00005 and 0.00006.
gnomAD v4.1: 151 of 1,613,980 alleles (0.0094%); highest among the groups gnomAD compares: Non-Finnish European, 0.012%; no homozygotes.

Submissions (2):

Blueprint Genetics
Classification: Uncertain significance. Last evaluated: 2024-08-17. Review status: criteria provided, single submitter. Criteria: ACMG Guidelines, 2015. Collection method: clinical testing. Allele origin: germline.

Labcorp Genetics (formerly Invitae), Labcorp
Classification: Uncertain significance for Spastic paraplegia. Last evaluated: 2021-08-30. Review status: criteria provided, single submitter. Criteria: Invitae Variant Classification Sherloc (09022015). Collection method: clinical testing. Allele origin: germline.
Comment: This sequence change replaces arginine with tryptophan at codon 721 of the GBA2 protein (p.Arg721Trp). The arginine residue is moderately conserved and there is a moderate physicochemical difference between arginine and tryptophan. This variant is present in population databases (rs750088946, ExAC 0.006%). This variant has not been reported in the literature in individuals affected with GBA2-related conditions. Algorithms developed to predict the effect of missense changes on protein structure and function are either unavailable or do not agree on the potential impact of this missense change (SIFT: "Deleterious"; PolyPhen-2: "Probably Damaging"; Align-GVGD: "Class C0"). In summary, the available evidence is currently insufficient to determine the role of this variant in disease. Therefore, it has been classified as a Variant of Uncertain Significance.

NM_020944.3(GBA2):c.2161C>T (p.Arg721Trp)

Gene: GBA2 (glucosylceramidase beta 2; minus strand). Cytogenetic location: 9p13.3.
Variant type: single nucleotide variant.
Coding change: c.2161C>T on transcript NM_020944.3 (MANE Select); coding-DNA position 2161, C replaced by T.
Protein change: p.Arg721Trp; replaces arginine 721 with tryptophan.
Molecular consequence: missense variant.
Genome position (GRCh38, 1-based): chr9:35,738,268, G>A on the plus strand (C>T on the coding strand, the complement: GBA2 is on the minus strand). VCF-style: chr9-35738268-G-A. GRCh37 (hg19) VCF-style: chr9-35738265-G-A.
Other names: c.2161C>T, p.Arg721Trp (NM_001330660.2); short protein forms R721W.
Identifiers: ClinVar variation 1045333 (VCV001045333.7), dbSNP rs750088946, ClinGen allele CA5050181.
Genomic context (GRCh38, chr9:35,738,268, plus strand): 5'-ACTACTTAGGCTCCCCGAACTCACCATTCCACAGCAGTCTCTCATAGGCTTCTTGGCCCC[G>A]GCTGAGGATAGAAGAAAACTTATCCTGGATGTCCTGTGCCCCACACAGAGCAGCCATCTG-3'
Protein context (NP_065995.1, residues 711-731): IQDKFSSILS[Arg721Trp]GQEAYERLLW